The following is an entry in ClinVar:

NM_173354.5(SIK1):c.2258C>G (p.Ala753Gly)

Gene: SIK1 (salt inducible kinase 1; minus strand). Cytogenetic location: 21q22.3.
Variant type: single nucleotide variant.
Coding change: c.2258C>G on transcript NM_173354.5 (MANE Select); coding-DNA position 2258, C replaced by G.
Protein change: p.Ala753Gly; replaces alanine 753 with glycine.
Molecular consequence: missense variant.
Genome position (GRCh38, 1-based): chr21:43,416,836, G>C on the plus strand (C>G on the coding strand, the complement: SIK1 is on the minus strand). VCF-style: chr21-43416836-G-C. GRCh37 (hg19) VCF-style: chr21-44836716-G-C.
Other names: short protein forms A753G.
Identifiers: ClinVar variation 2742875 (VCV002742875.3), dbSNP rs1444363139, ClinGen allele CA410606356.
Genomic context (GRCh38, chr21:43,416,836, plus strand): 5'-GGCATCAGGTCCTCCATCTCACAGTCCCCCTGCAGCAGCCCCAGGGGCTCACAACCTGGG[G>C]CCAGCCTGGCCAGGCGTGGTGGGGGCACAGCGGGGAGGGCGGTGGGGCCGGTGCCAATGT-3'
Protein context (NP_775490.2, residues 743-763): AVPPPRLARL[Ala753Gly]PGCEPLGLLQ

ClinVar aggregate classification (germline): Uncertain significance (1 of 4 stars; one submission).

Conditions:
Developmental and epileptic encephalopathy, 30 (DEE30). Also called: Epileptic encephalopathy, early infantile, 30. Identifiers: MedGen C4225360, MONDO:0014595, OMIM 616341.

Submission:

Labcorp Genetics (formerly Invitae), Labcorp
Classification: Uncertain significance for Developmental and epileptic encephalopathy, 30. Last evaluated: 2023-07-13. Review status: criteria provided, single submitter. Criteria: Invitae Variant Classification Sherloc (09022015). Collection method: clinical testing. Allele origin: germline.
Comment: Advanced modeling of protein sequence and biophysical properties (such as structural, functional, and spatial information, amino acid conservation, physicochemical variation, residue mobility, and thermodynamic stability) performed at Invitae indicates that this missense variant is not expected to disrupt SIK1 protein function. This variant has not been reported in the literature in individuals affected with SIK1-related conditions. This variant is present in population databases (no rsID available, gnomAD 0.0009%). This sequence change replaces alanine, which is neutral and non-polar, with glycine, which is neutral and non-polar, at codon 753 of the SIK1 protein (p.Ala753Gly). In summary, the available evidence is currently insufficient to determine the role of this variant in disease. Therefore, it has been classified as a Variant of Uncertain Significance.